The following is an entry in ClinVar:

ClinVar aggregate classification (germline): Uncertain significance. Review status: criteria provided, multiple submitters, no conflicts (2 of 4 stars). 4 submissions from 4 submitters: Uncertain significance (3). 1 of the submissions does not count toward it. Last evaluated 2025-11-25.

Conditions:
Hereditary cancer-predisposing syndrome. Also called: Neoplastic Syndromes, Hereditary; Tumor predisposition; Hereditary neoplastic syndrome; Hereditary Cancer Syndrome. Identifiers: Orphanet 140162, MedGen C0027672, MeSH D009386, MONDO:0015356.
Familial cancer of breast. Also called: BREAST CANCER, FAMILIAL; Hereditary breast cancer; hereditary breast carcinoma. Identifiers: Orphanet 227535, MedGen C0346153, MONDO:0016419, OMIM 114480. Disease mechanism: loss of function.

Allele frequency attached by ClinVar (database versions not stated): gnomAD 0.00001.
gnomAD v4.1: 1 of 1,613,980 alleles (0.000062%); highest among the groups gnomAD compares: African/African-American, 0.0013%; no homozygotes.

Submissions (4):

Ambry Genetics
Classification: Uncertain significance for Hereditary cancer-predisposing syndrome. Last evaluated: 2025-11-25. Review status: criteria provided, single submitter. Criteria: Ambry Variant Classification Scheme 2023. Collection method: clinical testing. Allele origin: germline.
Comment: The p.P207L variant (also known as c.620C>T), located in coding exon 4 of the PALB2 gene, results from a C to T substitution at nucleotide position 620. The proline at codon 207 is replaced by leucine, an amino acid with similar properties. This alteration was observed with an allele frequency of 0.00014 in 7,051 unselected female breast cancer patients and was not observed in 11,241 female controls of Japanese ancestry (Momozawa Y et al. Nat Commun, 2018 10;9:4083). This amino acid position is not well conserved in available vertebrate species. In addition, this alteration is predicted to be tolerated by in silico analysis. Since supporting evidence is limited at this time, the clinical significance of this alteration remains unclear.

Labcorp Genetics (formerly Invitae), Labcorp
Classification: Uncertain significance for Familial cancer of breast. Last evaluated: 2022-09-14. Review status: criteria provided, single submitter. Criteria: Invitae Variant Classification Sherloc (09022015). Collection method: clinical testing. Allele origin: germline.
Comment: In summary, the available evidence is currently insufficient to determine the role of this variant in disease. Therefore, it has been classified as a Variant of Uncertain Significance. Algorithms developed to predict the effect of missense changes on protein structure and function output the following: SIFT: "Tolerated"; PolyPhen-2: "Benign"; Align-GVGD: "Class C0". The leucine amino acid residue is found in multiple mammalian species, which suggests that this missense change does not adversely affect protein function. ClinVar contains an entry for this variant (Variation ID: 630036). This missense change has been observed in individual(s) with breast cancer (PMID: 30287823). This variant is not present in population databases (gnomAD no frequency). This sequence change replaces proline, which is neutral and non-polar, with leucine, which is neutral and non-polar, at codon 207 of the PALB2 protein (p.Pro207Leu).

Color Diagnostics, LLC DBA Color Health
Classification: Uncertain significance for Hereditary cancer-predisposing syndrome. Last evaluated: 2019-03-23. Review status: criteria provided, single submitter. Criteria: ACMG Guidelines, 2015. Collection method: clinical testing. Allele origin: germline.

Leiden Open Variation Database
Classification: Uncertain significance. Last evaluated: 2018-10-10. Review status: no assertion criteria provided. Collection method: curation. Allele origin: germline. Affected: yes. Not counted in ClinVar's aggregate classification.
Comment: Curators: Marc Tischkowitz, Arleen D. Auerbach. Submitter to LOVD: Yukihide Momozawa.

Literature cited by the submitters: PubMed 30287823 (cited by 3 submitters).

NM_024675.4(PALB2):c.620C>T (p.Pro207Leu)

Gene: PALB2 (partner and localizer of BRCA2; minus strand). Cytogenetic location: 16p12.2.
Variant type: single nucleotide variant.
Coding change: c.620C>T on transcript NM_024675.4 (MANE Select); coding-DNA position 620, C replaced by T.
Protein change: p.Pro207Leu; replaces proline 207 with leucine.
Molecular consequence: missense variant.
Genome position (GRCh38, 1-based): chr16:23,635,926, G>A on the plus strand (C>T on the coding strand, the complement: PALB2 is on the minus strand). VCF-style: chr16-23635926-G-A. GRCh37 (hg19) VCF-style: chr16-23647247-G-A.
Other names: short protein forms P207L.
Identifiers: ClinVar variation 630036 (VCV000630036.12), dbSNP rs515726125, ClinGen allele CA395136617.